The following is an entry in ClinVar:

NM_000135.4(FANCA):c.675C>T (p.Cys225=)

Gene: FANCA (FA complementation group A; minus strand). Cytogenetic location: 16q24.3.
Variant type: single nucleotide variant.
Coding change: c.675C>T on transcript NM_000135.4 (MANE Select); coding-DNA position 675, C replaced by T.
Protein change: p.Cys225=; no amino-acid change (cysteine 225 retained).
Molecular consequence: synonymous variant.
Genome position (GRCh38, 1-based): chr16:89,805,314, G>A on the plus strand (C>T on the coding strand, the complement: FANCA is on the minus strand). VCF-style: chr16-89805314-G-A. GRCh37 (hg19) VCF-style: chr16-89871722-G-A.
Other names: c.675C>T (NM_000135.3); c.675C>T, p.Cys225= (NM_001018112.3, NM_001286167.3); c.579C>T, p.Cys193= (NM_001351830.2).
Identifiers: ClinVar variation 704687 (VCV000704687.14), dbSNP rs367717307, ClinGen allele CA286606172.

ClinVar aggregate classification (germline): Likely benign. Review status: criteria provided, multiple submitters, no conflicts (2 of 4 stars). 5 submissions from 5 submitters: Likely benign (4). 1 of the submissions does not count toward it. Last evaluated 2025-12-14.

Conditions:
FANCA-related disorder. Also called: FANCA-related condition.
Fanconi anemia (FA). Also called: Fanconi's anemia. Identifiers: Orphanet 84, MedGen C0015625, MeSH D005199, MONDO:0019391.
Inborn genetic diseases. Identifiers: MedGen C0950123, MeSH D030342.

Allele frequency attached by ClinVar (database versions not stated): gnomAD 0.00001 and 0.00002; TOPMed 0.00002; ESP Exome Variant Server 0.00008.
gnomAD v4.1: 29 of 1,613,974 alleles (0.0018%); highest among the groups gnomAD compares: Middle Eastern, 0.033%; no homozygotes.

Submissions (5):

Labcorp Genetics (formerly Invitae), Labcorp
Classification: Likely benign for Fanconi anemia. Last evaluated: 2025-12-14. Review status: criteria provided, single submitter. Criteria: Invitae Variant Classification Sherloc (09022015). Collection method: clinical testing. Allele origin: germline.

Quest Diagnostics Nichols Institute San Juan Capistrano
Classification: Likely benign. Last evaluated: 2025-10-14. Review status: criteria provided, single submitter. Criteria: Quest Diagnostics criteria. Collection method: clinical testing. Allele origin: unknown.

Ambry Genetics
Classification: Likely benign for Inborn genetic diseases. Last evaluated: 2024-11-18. Review status: criteria provided, single submitter. Criteria: Ambry Variant Classification Scheme 2023. Collection method: clinical testing. Allele origin: germline.

Blueprint Genetics
Classification: Likely benign. Last evaluated: 2023-06-15. Review status: criteria provided, single submitter. Criteria: ACMG Guidelines, 2015. Collection method: clinical testing. Allele origin: germline.

PreventionGenetics, part of Exact Sciences
Classification: Likely benign for FANCA-related condition. Last evaluated: 2021-04-08. Review status: no assertion criteria provided. Collection method: clinical testing. Allele origin: germline. Not counted in ClinVar's aggregate classification.
Comment: This variant is classified as likely benign based on ACMG/AMP sequence variant interpretation guidelines (Richards et al. 2015 PMID: 25741868, with internal and published modifications).